The following is an entry in ClinVar:

ClinVar aggregate classification (germline): Pathogenic (1 of 4 stars; one submission).

Conditions:
Neurofibromatosis, type 1 (NF1). Also called: VON RECKLINGHAUSEN DISEASE; NEUROFIBROMATOSIS, TYPE I, SOMATIC; Peripheral type neurofibromatosis; Neurofibromatosis, type I. Identifiers: Orphanet 636, MedGen C0027831, MONDO:0018975, OMIM 162200. Disease mechanism: loss of function.

Submission:

Labcorp Genetics (formerly Invitae), Labcorp
Classification: Pathogenic for Neurofibromatosis, type 1. Last evaluated: 2017-07-07. Review status: criteria provided, single submitter. Criteria: Invitae Variant Classification Sherloc (09022015). Collection method: clinical testing. Allele origin: germline.
Comment: This variant is an out-of-frame deletion of the genomic region encompassing exons 6-51 and the first 80 nucleotides of exon 52 of the NF1 gene (c.587-2316_7755del). This is expected to create a premature translational stop signal and result in an absent or disrupted protein product. This variant has not been reported in the literature in individuals with NF1-related disease. Loss-of-function variants in NF1 are known to be pathogenic (PMID: 10712197, 23913538). For these reasons, this variant has been classified as Pathogenic.

NC_000017.11:g.(?_31179106)_(31357039_?)del

Genes: EVI2A (ecotropic viral integration site 2A; minus strand), EVI2B (ecotropic viral integration site 2B; minus strand), NF1 (neurofibromin 1; plus strand), OMG (oligodendrocyte myelin glycoprotein; minus strand), LOC108281181 (NF1 intron 8 Alu-mediated recombination region; plus strand) and 4 more. Cytogenetic location: 17q11.2.
Variant type: Deletion.
Identifiers: ClinVar variation 457505 (VCV000457505.1).